The following is an entry in ClinVar:

NM_025114.4(CEP290):c.6970C>T (p.Leu2324Phe)

Gene: CEP290 (centrosomal protein 290; minus strand). Cytogenetic location: 12q21.32.
Variant type: single nucleotide variant.
Coding change: c.6970C>T on transcript NM_025114.4 (MANE Select); coding-DNA position 6970, C replaced by T.
Protein change: p.Leu2324Phe; replaces leucine 2324 with phenylalanine.
Molecular consequence: missense variant.
Genome position (GRCh38, 1-based): chr12:88,054,404, G>A on the plus strand (C>T on the coding strand, the complement: CEP290 is on the minus strand). VCF-style: chr12-88054404-G-A. GRCh37 (hg19) VCF-style: chr12-88448181-G-A.
Other names: short protein forms L2324F.
Identifiers: ClinVar variation 1406519 (VCV001406519.8), dbSNP rs1261405954, ClinGen allele CA385975729.

ClinVar aggregate classification (germline): Uncertain significance (1 of 4 stars; one submission).

Conditions:
Joubert syndrome. Also called: CEREBELLOPARENCHYMAL DISORDER IV; JOUBERT-BOLTSHAUSER SYNDROME; Familial aplasia of the vermis. Identifiers: Orphanet 475, MedGen C5979921, MONDO:0018772.
Nephronophthisis. Also called: Juvenile Nephronophthisis. Identifiers: Orphanet 655, MedGen C0687120, MONDO:0019005, HP:0000090.
Meckel-Gruber syndrome. Also called: DYSENCEPHALIA SPLANCHNOCYSTICA; GRUBER SYNDROME; Dysencephalia splachnocystica. Identifiers: Orphanet 564, MedGen C0265215, MONDO:0018921.

Allele frequency attached by ClinVar (database versions not stated): gnomAD exomes below 0.00001.
gnomAD v4.1: 1 of 1,610,160 alleles (0.000062%); highest among the groups gnomAD compares: Non-Finnish European, 0.000085%; no homozygotes.

Submission:

Labcorp Genetics (formerly Invitae), Labcorp
Classification: Uncertain significance for Joubert syndrome; Meckel-Gruber syndrome; Nephronophthisis. Last evaluated: 2025-06-12. Review status: criteria provided, single submitter. Criteria: Invitae Variant Classification Sherloc (09022015). Collection method: clinical testing. Allele origin: germline.
Comment: This sequence change replaces leucine, which is neutral and non-polar, with phenylalanine, which is neutral and non-polar, at codon 2324 of the CEP290 protein (p.Leu2324Phe). This variant is not present in population databases (gnomAD no frequency). This variant has not been reported in the literature in individuals affected with CEP290-related conditions. ClinVar contains an entry for this variant (Variation ID: 1406519). An algorithm developed to predict the effect of missense changes on protein structure and function (PolyPhen-2) suggests that this variant is likely to be disruptive. In summary, the available evidence is currently insufficient to determine the role of this variant in disease. Therefore, it has been classified as a Variant of Uncertain Significance.